The following is an entry in ClinVar:

Conditions:
Breast-ovarian cancer, familial, susceptibility to, 1 (BROVCA1). Also called: BRCA1 Hereditary Breast and Ovarian Cancer; OVARIAN CANCER, SUSCEPTIBILITY TO. Identifiers: Orphanet 145, MedGen C2676676, MONDO:0011450, OMIM 604370. Disease mechanism: loss of function.

Submission:

Brotman Baty Institute, University of Washington
No classification provided (evidence only). Condition: Breast-ovarian cancer, familial 1. Review status: no classification provided. Collection method: in vitro. Allele origin: not applicable. Functional consequence: functionally_normal.
ClinVar note: "not provided" was previously submitted as the classification for the variant. However, the classification appeared to be based only on an observation of functional data so it was converted to no classification on 2025-07-30.

NM_007294.4(BRCA1):c.5366C>G (p.Ala1789Gly)

Gene: BRCA1 (BRCA1 DNA repair associated; minus strand). Cytogenetic location: 17q21.31.
Variant type: single nucleotide variant.
Coding change: c.5366C>G on transcript NM_007294.4 (MANE Select); coding-DNA position 5366, C replaced by G.
Protein change: p.Ala1789Gly; replaces alanine 1789 with glycine.
Molecular consequence: missense variant. On other transcripts: non-coding transcript variant (1), intron variant (1).
Genome position (GRCh38, 1-based): chr17:43,049,161, G>C on the plus strand (C>G on the coding strand, the complement: BRCA1 is on the minus strand). VCF-style: chr17-43049161-G-C. GRCh37 (hg19) VCF-style: chr17-41201178-G-C.
Other names: c.5153C>G, p.Ala1718Gly (NM_001407571.1, NM_001407895.1, NM_001407896.1 and 12 more transcripts); c.5432C>G, p.Ala1811Gly (NM_001407581.1, NM_001407582.1); c.5429C>G, p.Ala1810Gly (NM_001407583.1, NM_001407585.1, NM_001407587.1 and 1 more transcripts); c.5426C>G, p.Ala1809Gly (NM_001407590.1, NM_001407591.1); c.5366C>G, p.Ala1789Gly (NM_001407593.1, NM_001407594.1, NM_001407596.1 and 5 more transcripts); c.5363C>G, p.Ala1788Gly (NM_001407618.1, NM_001407619.1, NM_001407620.1 and 14 more transcripts); c.5360C>G, p.Ala1787Gly (NM_001407637.1, NM_001407638.1, NM_001407639.1 and 13 more transcripts); c.5357C>G, p.Ala1786Gly (NM_001407644.1, NM_001407645.1); and 73 more; short protein forms A1810G, A1742G, A1789G, A685G, A1492G, A1701G, A1718G, A1721G.
Identifiers: ClinVar variation 868381 (VCV000868381.3), dbSNP rs2051085308, ClinGen allele CA10590736.
Genomic context (GRCh38, chr17:43,049,161, plus strand): 5'-ACAGGGCACCCAATACTTACTGTGCCAAGGGTGAATGATGAAAGCTCCTTCACCACAGAA[G>C]CACCACACAGCTGTACCATCCATTCCAGTTGATCTAAAATGGACATTTAGATGTAAAATC-3'
Protein context (NP_009225.1, residues 1779-1799): QLEWMVQLCG[Ala1789Gly]SVVKELSSFT